The following is an entry in ClinVar:

ClinVar aggregate classification (germline): Uncertain significance (1 of 4 stars; one submission).

Conditions:
Acromesomelic dysplasia 1, Maroteaux type (AMD1). Also called: ST. HELENA DYSPLASIA; ACROMESOMELIC DYSPLASIA 1. Identifiers: Orphanet 40, MedGen C1864356, MONDO:0011275, OMIM 602875.
Tall stature-scoliosis-macrodactyly of the great toes syndrome. Also called: Epiphyseal chondrodysplasia, miura type. Identifiers: Orphanet 329191, MedGen C4014690, MONDO:0014401, OMIM 615923.

Submission:

Labcorp Genetics (formerly Invitae), Labcorp
Classification: Uncertain significance for Tall stature-scoliosis-macrodactyly of the great toes syndrome; Acromesomelic dysplasia 1, Maroteaux type. Last evaluated: 2023-05-19. Review status: criteria provided, single submitter. Criteria: Invitae Variant Classification Sherloc (09022015). Collection method: clinical testing. Allele origin: germline.
Comment: In summary, the available evidence is currently insufficient to determine the role of this variant in disease. Therefore, it has been classified as a Variant of Uncertain Significance. An algorithm developed to predict the effect of missense changes on protein structure and function (PolyPhen-2) suggests that this variant is likely to be tolerated. This variant has not been reported in the literature in individuals affected with NPR2-related conditions. This variant is not present in population databases (gnomAD no frequency). This sequence change replaces aspartic acid, which is acidic and polar, with asparagine, which is neutral and polar, at codon 276 of the NPR2 protein (p.Asp276Asn).

NM_003995.4(NPR2):c.826G>A (p.Asp276Asn)

Gene: NPR2 (natriuretic peptide receptor 2; plus strand). Cytogenetic location: 9p13.3.
Variant type: single nucleotide variant.
Coding change: c.826G>A on transcript NM_003995.4 (MANE Select); coding-DNA position 826, G replaced by A.
Protein change: p.Asp276Asn; replaces aspartic acid 276 with asparagine.
Molecular consequence: missense variant.
Genome position (GRCh38, 1-based): chr9:35,794,056, G>A. VCF-style: chr9-35794056-G-A. GRCh37 (hg19) VCF-style: chr9-35794053-G-A.
Other names: c.826G>A, p.Asp276Asn (NM_001378923.1); short protein forms D276N.
Identifiers: ClinVar variation 2947961 (VCV002947961.3), dbSNP rs777123865, ClinGen allele CA373367766.